The following is an entry in ClinVar:

NM_001151.4(SLC25A4):c.149A>C (p.Gln50Pro)

Gene: SLC25A4 (solute carrier family 25 member 4; plus strand). Cytogenetic location: 4q35.1.
Variant type: single nucleotide variant.
Coding change: c.149A>C on transcript NM_001151.4 (MANE Select); coding-DNA position 149, A replaced by C.
Protein change: p.Gln50Pro; replaces glutamine 50 with proline.
Molecular consequence: missense variant.
Genome position (GRCh38, 1-based): chr4:185,144,801, A>C. VCF-style: chr4-185144801-A-C. GRCh37 (hg19) VCF-style: chr4-186065955-A-C.
Other names: short protein forms Q50P.
Identifiers: ClinVar variation 3382544 (VCV003382544.2).

ClinVar aggregate classification (germline): Uncertain significance (1 of 4 stars; one submission).

Conditions:
Mitochondrial DNA depletion syndrome 12A (cardiomyopathic type), autosomal dominant. Also called: Mitochondrial DNA depletion syndrome 12A (cardiomyopathic type) AD. Identifiers: MedGen C4310676, MONDO:0014959, OMIM 617184.

Submission:

Juno Genomics, Hangzhou Juno Genomics, Inc
Classification: Uncertain significance for Mitochondrial DNA depletion syndrome 12A (cardiomyopathic type), autosomal dominant. Review status: criteria provided, single submitter. Criteria: ACMG Guidelines, 2015. Collection method: clinical testing. Allele origin: germline. Affected: yes.
Comment: Absent from controls (or at extremely low frequency if recessive) in Genome Aggregation Database, Exome Sequencing Project, 1000 Genomes Project, or Exome Aggregation Consortium.;De novo (both maternity and paternity confirmed) in a patient with the disease and no family history.;Patient's phenotype or family history is highly specific for a disease with a single genetic etiology.